The following is an entry in ClinVar:

ClinVar aggregate classification (germline): Likely benign (1 of 4 stars; one submission).

Allele frequency attached by ClinVar (database versions not stated): gnomAD 0.00007; ExAC 0.00046; 1000 Genomes Project 0.00100; 1000 Genomes Project 30x 0.00109.
gnomAD v4.1: 206 of 1,597,084 alleles (0.013%); highest among the groups gnomAD compares: South Asian, 0.21%; no homozygotes.

Submission:

CeGaT Center for Human Genetics Tuebingen
Classification: Likely benign. Last evaluated: 2024-01-01. Review status: criteria provided, single submitter. Criteria: CeGaT Center For Human Genetics Tuebingen Variant Classification Criteria Version 2. Collection method: clinical testing. Allele origin: germline. Affected: yes. Observed: 1 variant allele.
Comment: MUC3A: BP4, BP7

NM_005960.2(MUC3A):c.9378C>A (p.Ser3126=)

Gene: MUC3A (mucin 3A, cell surface associated; plus strand). Cytogenetic location: 7q22.1.
Variant type: single nucleotide variant.
Coding change: c.9378C>A on transcript NM_005960.2 (MANE Select); coding-DNA position 9378, C replaced by A.
Protein change: p.Ser3126=; no amino-acid change (serine 3126 retained).
Molecular consequence: synonymous variant.
Genome position (GRCh38, 1-based): chr7:100,964,839, C>A. VCF-style: chr7-100964839-C-A. GRCh37 (hg19) VCF-style: chr7-100607890-C-A.
Identifiers: ClinVar variation 3025490 (VCV003025490.22), dbSNP rs587599771, ClinGen allele CA4398300.